The following is an entry in ClinVar:

NM_001367561.1(DOCK7):c.2692A>G (p.Ser898Gly)

Gene: DOCK7 (dedicator of cytokinesis 7; minus strand). Cytogenetic location: 1p31.3.
Variant type: single nucleotide variant.
Coding change: c.2692A>G on transcript NM_001367561.1 (MANE Select); coding-DNA position 2692, A replaced by G.
Protein change: p.Ser898Gly; replaces serine 898 with glycine.
Molecular consequence: missense variant.
Genome position (GRCh38, 1-based): chr1:62,552,806, T>C on the plus strand (A>G on the coding strand, the complement: DOCK7 is on the minus strand). VCF-style: chr1-62552806-T-C. GRCh37 (hg19) VCF-style: chr1-63018477-T-C.
Other names: c.2692A>G, p.Ser898Gly (NM_001271999.2, NM_001272000.2, NM_001272001.2 and 2 more transcripts); short protein forms S898G.
Identifiers: ClinVar variation 1952729 (VCV001952729.5), dbSNP rs2524997898, ClinGen allele CA340620204.

ClinVar aggregate classification (germline): Uncertain significance (1 of 4 stars; one submission).

Conditions:
Developmental and epileptic encephalopathy, 23 (DEE23). Also called: Epileptic encephalopathy, early infantile, 23. Identifiers: Orphanet 411986, MedGen C4014492, MONDO:0014371, OMIM 615859.

Allele frequency attached by ClinVar (database versions not stated): gnomAD exomes below 0.00001.
gnomAD v4.1: 4 of 1,614,018 alleles (0.00025%); highest among the groups gnomAD compares: South Asian, 0.0011%; no homozygotes.

Submission:

Labcorp Genetics (formerly Invitae), Labcorp
Classification: Uncertain significance for Developmental and epileptic encephalopathy, 23. Last evaluated: 2022-03-01. Review status: criteria provided, single submitter. Criteria: Invitae Variant Classification Sherloc (09022015). Collection method: clinical testing. Allele origin: germline.
Comment: In summary, the available evidence is currently insufficient to determine the role of this variant in disease. Therefore, it has been classified as a Variant of Uncertain Significance. Algorithms developed to predict the effect of missense changes on protein structure and function are either unavailable or do not agree on the potential impact of this missense change (SIFT: "Deleterious"; PolyPhen-2: "Probably Damaging"; Align-GVGD: "Class C0"). This variant has not been reported in the literature in individuals affected with DOCK7-related conditions. This variant is not present in population databases (gnomAD no frequency). This sequence change replaces serine, which is neutral and polar, with glycine, which is neutral and non-polar, at codon 898 of the DOCK7 protein (p.Ser898Gly).